The following is an entry in ClinVar:

ClinVar aggregate classification (germline): Conflicting classifications of pathogenicity. Review status: criteria provided, conflicting classifications (1 of 4 stars). 22 submissions from 18 submitters: Uncertain significance (7); Benign (3); Likely benign (7). 5 of the submissions do not count toward it. Last evaluated 2026-02-01.

Conditions:
TTN-related disorder. Also called: TTN-related disorders; TTN-related condition; TTN-related disease.
Dilated cardiomyopathy 1G (CMD1G). Identifiers: Orphanet 154, MedGen C1858763, MONDO:0011400, OMIM 604145.
Autosomal recessive limb-girdle muscular dystrophy type 2J (LGMDR10). Also called: Limb-girdle muscular dystrophy, type 2J; MUSCULAR DYSTROPHY, LIMB-GIRDLE, AUTOSOMAL RECESSIVE 10. Identifiers: Orphanet 140922, MedGen C1837342, MONDO:0012127, OMIM 608807.
Cardiomyopathy (CMYO). Also called: Cardiomyopathies. Identifiers: Orphanet 167848, MedGen C0878544, MONDO:0004994, HP:0001638. Inheritance: Various modes of inheritance.
Early-onset myopathy with fatal cardiomyopathy (CMYO5). Also called: CONGENITAL MYOPATHY 5 WITH CARDIOMYOPATHY; Salih Myopathy. Identifiers: Orphanet 289377, MedGen C2673677, MONDO:0012714, OMIM 611705. Disease mechanism: loss of function.
Myopathy, myofibrillar, 9, with early respiratory failure (MFM9). Also called: Hereditary myopathy with early respiratory failure; MYOPATHY, PROXIMAL, WITH EARLY RESPIRATORY MUSCLE INVOLVEMENT; EDSTROM MYOPATHY; Myopathy, distal, with early respiratory failure, autosomal dominant. Identifiers: Orphanet 178464, Orphanet 34521, MedGen C1863599, MONDO:0011362, OMIM 603689.
Tibial muscular dystrophy (TMD). Also called: UDD MYOPATHY; Tibial muscular dystrophy, tardive; Udd Distal Myopathy – Tibial Muscular Dystrophy. Identifiers: Orphanet 609, MedGen C1838244, MONDO:0010870, OMIM 600334.

Allele frequency attached by ClinVar (database versions not stated): 1000 Genomes Project 0.00020; 1000 Genomes Project 30x 0.00047; gnomAD 0.00056 and 0.00058; TOPMed 0.00058; gnomAD exomes 0.00059 and 0.00078; ESP Exome Variant Server 0.00066; ExAC 0.00074.
gnomAD v4.1: 1,209 of 1,613,726 alleles (0.075%); highest among the groups gnomAD compares: Non-Finnish European, 0.097%; no homozygotes.

Submissions (22):

Labcorp Genetics (formerly Invitae), Labcorp
Classification: Likely benign for Dilated cardiomyopathy 1G; Autosomal recessive limb-girdle muscular dystrophy type 2J. Last evaluated: 2026-02-01. Review status: criteria provided, single submitter. Criteria: Invitae Variant Classification Sherloc (09022015). Collection method: clinical testing. Allele origin: germline.

CeGaT Center for Human Genetics Tuebingen
Classification: Likely benign. Last evaluated: 2025-06-01. Review status: criteria provided, single submitter. Criteria: CeGaT Center For Human Genetics Tuebingen Variant Classification Criteria Version 2. Collection method: clinical testing. Allele origin: germline. Affected: yes. Observed: 2 variant alleles.
Comment: TTN: BP4

Molecular Diagnostic Laboratory for Inherited Cardiovascular Disease, Montreal Heart Institute
Classification: Likely benign. Last evaluated: 2025-04-09. Review status: criteria provided, single submitter. Criteria: ACMG Guidelines, 2015. Collection method: clinical testing. Allele origin: germline. Affected: no.

Blueprint Genetics
Classification: Likely benign. Last evaluated: 2024-11-21. Review status: criteria provided, single submitter. Criteria: ACMG Guidelines, 2015. Collection method: clinical testing. Allele origin: germline.

Women's Health and Genetics/Laboratory Corporation of America, LabCorp
Classification: Likely benign. Last evaluated: 2023-09-16. Review status: criteria provided, single submitter. Criteria: LabCorp Variant Classification Summary - May 2015. Collection method: clinical testing. Allele origin: germline.

Mayo Clinic Laboratories, Mayo Clinic
Classification: Uncertain significance. Last evaluated: 2023-03-29. Review status: criteria provided, single submitter. Criteria: ACMG Guidelines, 2015. Collection method: clinical testing. Allele origin: germline. Observed: 2 variant alleles.
Comment: BP4

CHEO Genetics Diagnostic Laboratory, Children's Hospital of Eastern Ontario
Classification: Benign for Cardiomyopathy. Last evaluated: 2021-10-01. Review status: criteria provided, single submitter. Criteria: ACMG Guidelines, 2015. Collection method: clinical testing. Allele origin: germline.

GeneDx
Classification: Likely benign. Last evaluated: 2021-04-19. Review status: criteria provided, single submitter. Criteria: GeneDx Variant Classification Process June 2021. Collection method: clinical testing. Allele origin: germline. Affected: yes.
Comment: This variant is associated with the following publications: (PMID: 23861362)

Eurofins Ntd Llc (ga)
Classification: Uncertain significance. Last evaluated: 2018-05-31. Review status: criteria provided, single submitter. Criteria: EGL ClinVar v180209 classification definitions. Collection method: clinical testing. Allele origin: germline. Observed: 11 variant alleles, 11 heterozygotes.

Illumina Laboratory Services, Illumina
Classification: Benign for Tibial muscular dystrophy. Last evaluated: 2018-01-12. Review status: criteria provided, single submitter. Criteria: ICSL Variant Classification Criteria 13 December 2019. Collection method: clinical testing. Allele origin: germline.
Comment: This variant was observed in the ICSL laboratory as part of a predisposition screen in an ostensibly healthy population. It had not been previously curated by ICSL or reported in the Human Gene Mutation Database (HGMD: prior to June 1st, 2018), and was therefore a candidate for classification through an automated scoring system. Utilizing variant allele frequency, disease prevalence and penetrance estimates, and inheritance mode, an automated score was calculated to assess if this variant is too frequent to cause the disease. Based on the score and internal cut-off values, a variant classified as benign is not then subjected to further curation. The score for this variant resulted in a classification of benign for this disease.

Illumina Laboratory Services, Illumina
Classification: Uncertain significance for Dilated cardiomyopathy 1G. Last evaluated: 2018-01-12. Review status: criteria provided, single submitter. Criteria: ICSL Variant Classification Criteria 13 December 2019. Collection method: clinical testing. Allele origin: germline.

Illumina Laboratory Services, Illumina
Classification: Uncertain significance for Early-onset myopathy with fatal cardiomyopathy. Last evaluated: 2018-01-12. Review status: criteria provided, single submitter. Criteria: ICSL Variant Classification Criteria 13 December 2019. Collection method: clinical testing. Allele origin: germline.

Illumina Laboratory Services, Illumina
Classification: Benign for Myopathy, myofibrillar, 9, with early respiratory failure. Last evaluated: 2018-01-12. Review status: criteria provided, single submitter. Criteria: ICSL Variant Classification Criteria 13 December 2019. Collection method: clinical testing. Allele origin: germline.
Comment: the same text as in the submission from Illumina Laboratory Services, Illumina above.

Illumina Laboratory Services, Illumina
Classification: Uncertain significance for Autosomal recessive limb-girdle muscular dystrophy type 2J. Last evaluated: 2018-01-12. Review status: criteria provided, single submitter. Criteria: ICSL Variant Classification Criteria 13 December 2019. Collection method: clinical testing. Allele origin: germline.

Genetic Services Laboratory, University of Chicago
Classification: Uncertain significance. Last evaluated: 2016-05-23. Review status: criteria provided, single submitter. Criteria: ACMG Guidelines, 2015. Collection method: clinical testing. Allele origin: germline. Affected: no.

Laboratory for Molecular Medicine, Mass General Brigham Personalized Medicine
Classification: Likely benign. Last evaluated: 2015-02-12. Review status: criteria provided, single submitter. Criteria: LMM Criteria. Collection method: clinical testing. Allele origin: germline. Observed: 5 variant alleles.
Comment: p.Val7074Ile in exon 83 of TTN: This variant is not expected to have clinical si gnificance due to a lack of conservation across species, including mammals. Of n ote, >10 mammals have an isoleucine (Ile) at this position despite high nearby a mino acid conservation. In addition, computational prediction tools do not sugge st a high likelihood of impact to the protein. This variant has also been identi fied in 0.1% (84/66708) of European chromosomes by the Exome Aggregation Consort ium (ExAC; dbSNP rs200103997).

Biesecker Lab/Clinical Genomics Section, National Institutes of Health
Classification: Uncertain significance. Last evaluated: 2013-06-24. Review status: criteria provided, single submitter. Criteria: Ng et al. (Circ Cardiovasc Genet. 2013). Collection method: research. Allele origin: unknown. Observed: 1 variant allele. Study: ClinSeq.
Comment: The study set was not selected for affection status in relation to any cancer. Pathogenicity categories were based on literature curation. See Pubmed ID:23861362 for details.

Medical sequencing

PreventionGenetics, part of Exact Sciences
Classification: Likely benign for TTN-related condition. Last evaluated: 2024-01-02. Review status: no assertion criteria provided. Collection method: clinical testing. Allele origin: germline. Not counted in ClinVar's aggregate classification.
Comment: This variant is classified as likely benign based on ACMG/AMP sequence variant interpretation guidelines (Richards et al. 2015 PMID: 25741868, with internal and published modifications).

Clinical Genetics DNA and cytogenetics Diagnostics Lab, Erasmus MC, Erasmus Medical Center
Classification: Likely benign. Review status: no assertion criteria provided. Collection method: clinical testing. Allele origin: germline. Affected: yes. Study: VKGL Data-share Consensus. Not counted in ClinVar's aggregate classification.

Clinical Genetics, Academic Medical Center
Classification: Benign. Review status: no assertion criteria provided. Collection method: clinical testing. Allele origin: germline. Affected: yes. Study: VKGL Data-share Consensus. Not counted in ClinVar's aggregate classification.

Joint Genome Diagnostic Labs from Nijmegen and Maastricht, Radboudumc and MUMC+
Classification: Likely benign. Review status: no assertion criteria provided. Collection method: clinical testing. Allele origin: germline. Affected: yes. Study: VKGL Data-share Consensus. Not counted in ClinVar's aggregate classification.

Laboratory of Diagnostic Genome Analysis, Leiden University Medical Center (LUMC)
Classification: Likely benign. Review status: no assertion criteria provided. Collection method: clinical testing. Allele origin: germline. Affected: yes. Study: VKGL Data-share Consensus. Not counted in ClinVar's aggregate classification.

NM_001267550.2(TTN):c.24952G>A (p.Val8318Ile)

Gene: TTN (titin; minus strand). Cytogenetic location: 2q31.2.
Variant type: single nucleotide variant.
Coding change: c.24952G>A on transcript NM_001267550.2 (MANE Select); coding-DNA position 24952, G replaced by A.
Protein change: p.Val8318Ile; replaces valine 8318 with isoleucine.
Molecular consequence: missense variant. On other transcripts: intron variant (3).
Genome position (GRCh38, 1-based): chr2:178,718,054, C>T on the plus strand (G>A on the coding strand, the complement: TTN is on the minus strand). VCF-style: chr2-178718054-C-T. GRCh37 (hg19) VCF-style: chr2-179582781-C-T.
Other names: p.V8001I:GTT>ATT; c.24001G>A, p.Val8001Ile (NM_001256850.1); c.21220G>A, p.Val7074Ile (NM_133378.4); c.13282+20028G>A (NM_003319.4); c.13858+20028G>A (NM_133437.4); c.13657+20028G>A (NM_133432.3); short protein forms V7074I, V8318I, V8001I.
Identifiers: ClinVar variation 166152 (VCV000166152.70), dbSNP rs200103997, ClinGen allele CA178964.
Genomic context (GRCh38, chr2:178,718,054, plus strand): 5'-CCTTGCATGAATACTCTCCCACATCACTGTGATCCACTTTGTTGATTACTAAGGAAGCAA[C>T]GTTATTTTTGAATTGCATTTTATATGCAGGAGCTGATCGTAGCTTTGTGTGTTCTTTATA-3'
Protein context (NP_001254479.2, residues 8308-8328): PAYKMQFKNN[Val8318Ile]ASLVINKVDH